The following is an entry in ClinVar:

NM_020919.4(ALS2):c.2171-7G>A

Gene: ALS2 (alsin Rho guanine nucleotide exchange factor ALS2; minus strand). Cytogenetic location: 2q33.1.
Variant type: single nucleotide variant.
Coding change: c.2171-7G>A on transcript NM_020919.4 (MANE Select); 7 bases into the intron before coding-DNA position 2171, G replaced by A.
Molecular consequence: intron variant.
Genome position (GRCh38, 1-based): chr2:201,741,861, C>T on the plus strand (G>A on the coding strand, the complement: ALS2 is on the minus strand). VCF-style: chr2-201741861-C-T. GRCh37 (hg19) VCF-style: chr2-202606584-C-T.
Identifiers: ClinVar variation 465186 (VCV000465186.33), dbSNP rs376270303, ClinGen allele CA2058255.

ClinVar aggregate classification (germline): Conflicting classifications of pathogenicity. Review status: criteria provided, conflicting classifications (1 of 4 stars). 3 submissions from 3 submitters: Uncertain significance (1); Likely benign (1). 1 of the submissions does not count toward it. Last evaluated 2026-01-20.

Conditions:
ALS2-related disorder. Also called: ALS2-related disorders; ALS2-related condition; ALS2-Related Spectrum Disorders. Identifiers: MedGen CN169291.
Infantile-onset ascending hereditary spastic paralysis (IAHSP). Also called: Autosomal Recessive Juvenile Amyotrophic Lateral Sclerosis; Infantile-Onset Ascending Hereditary Spastic Paralysis (IAHSP). Identifiers: Orphanet 293168, MedGen C2931441, MONDO:0011797, OMIM 607225. Disease mechanism: loss of function.

Allele frequency attached by ClinVar (database versions not stated): gnomAD 0.00001 and 0.00002; gnomAD exomes 0.00001 and 0.00013; ExAC 0.00003; TOPMed 0.00003; ESP Exome Variant Server 0.00008.
gnomAD v4.1: 189 of 1,608,210 alleles (0.012%); highest among the groups gnomAD compares: Non-Finnish European, 0.016%; 1 homozygote.

Submissions (3):

Labcorp Genetics (formerly Invitae), Labcorp
Classification: Likely benign for Infantile-onset ascending hereditary spastic paralysis. Last evaluated: 2026-01-20. Review status: criteria provided, single submitter. Criteria: Invitae Variant Classification Sherloc (09022015). Collection method: clinical testing. Allele origin: germline.

CeGaT Center for Human Genetics Tuebingen
Classification: Uncertain significance. Last evaluated: 2023-02-01. Review status: criteria provided, single submitter. Criteria: CeGaT Center For Human Genetics Tuebingen Variant Classification Criteria Version 2. Collection method: clinical testing. Allele origin: germline. Affected: yes. Observed: 1 variant allele.
Comment: ALS2: PM2, BP4

PreventionGenetics, part of Exact Sciences
Classification: Likely benign for ALS2-related condition. Last evaluated: 2022-09-08. Review status: no assertion criteria provided. Collection method: clinical testing. Allele origin: germline. Not counted in ClinVar's aggregate classification.
Comment: This variant is classified as likely benign based on ACMG/AMP sequence variant interpretation guidelines (Richards et al. 2015 PMID: 25741868, with internal and published modifications).